The following is an entry in ClinVar:

ClinVar aggregate classification (germline): Uncertain significance (1 of 4 stars; one submission).

Conditions:
Hereditary cancer-predisposing syndrome. Also called: Hereditary neoplastic syndrome; Neoplastic Syndromes, Hereditary; Tumor predisposition; Hereditary Cancer Syndrome. Identifiers: Orphanet 140162, MedGen C0027672, MeSH D009386, MONDO:0015356.

Submission:

Ambry Genetics
Classification: Uncertain significance for Hereditary cancer-predisposing syndrome. Last evaluated: 2025-02-18. Review status: criteria provided, single submitter. Criteria: Ambry Variant Classification Scheme 2023. Collection method: clinical testing. Allele origin: germline.
Comment: The p.Q1857* variant (also known as c.5569C>T), located in coding exon 22 of the BRCA1 gene, results from a C to T substitution at nucleotide position 5569. This changes the amino acid from a glutamine to a stop codon within coding exon 22. This alteration occurs at the 3' terminus of the BRCA1 gene, is not expected to trigger nonsense-mediated mRNA decay, and impacts the last seven amino acids of the protein. This variant was shown to have reduced transcriptional activation relative to wildtype (Fernandes VC et al. J Biol Chem, 2019 Apr;294:5980-5992; Nepomuceno TC et al. Sci Rep, 2022 Sep;12:16203). This variant was functional in a homology directed repair functional assay (Adamovich AI et al. Am J Hum Genet, 2022 Apr;109:618-630). Based on the available evidence, the clinical significance of this variant remains unclear.

Literature cited by the submitters: PubMed 28692638; PubMed 30765603; PubMed 35196514; PubMed 36171434.

NM_007294.4(BRCA1):c.5569C>T (p.Gln1857Ter)

Gene: BRCA1 (BRCA1 DNA repair associated; minus strand). Cytogenetic location: 17q21.31.
Variant type: single nucleotide variant.
Coding change: c.5569C>T on transcript NM_007294.4 (MANE Select); coding-DNA position 5569, C replaced by T.
Protein change: p.Gln1857Ter; replaces glutamine 1857 with a stop codon.
Molecular consequence: nonsense. On other transcripts: 3 prime UTR variant (17).
Genome position (GRCh38, 1-based): chr17:43,045,701, G>A on the plus strand (C>T on the coding strand, the complement: BRCA1 is on the minus strand). VCF-style: chr17-43045701-G-A. GRCh37 (hg19) VCF-style: chr17-41197718-G-A.
Other names: c.5356C>T, p.Gln1786Ter (NM_001407908.1, NM_001407909.1, NM_001407910.1 and 12 more transcripts); c.5563C>T, p.Gln1855Ter (NM_001407641.1, NM_001407642.1, NM_001407627.1 and 13 more transcripts); c.5560C>T, p.Gln1854Ter (NM_001407644.1, NM_001407645.1); c.5557C>T, p.Gln1853Ter (NM_001407646.1); c.5554C>T, p.Gln1852Ter (NM_001407647.1); c.5512C>T, p.Gln1838Ter (NM_001407648.1); c.5491C>T, p.Gln1831Ter (NM_001407652.1, NM_001407653.1, NM_001407654.1 and 1 more transcripts); c.5509C>T, p.Gln1837Ter (NM_001407649.1); and 74 more; short protein forms Q1729*, Q1745*, Q1787*, Q1789*, Q1808*, Q1813*, Q1814*, Q1830*.
Identifiers: ClinVar variation 3825319 (VCV003825319.1).